The following is an entry in ClinVar:

NM_002230.4(JUP):c.*3G>A

Gene: JUP (junction plakoglobin; minus strand). Cytogenetic location: 17q21.2.
Variant type: single nucleotide variant.
Coding change: c.*3G>A on transcript NM_002230.4 (MANE Select); 3 bases downstream of the stop codon, G replaced by A.
Molecular consequence: 3 prime UTR variant.
Genome position (GRCh38, 1-based): chr17:41,755,741, C>T on the plus strand (G>A on the coding strand, the complement: JUP is on the minus strand). VCF-style: chr17-41755741-C-T. GRCh37 (hg19) VCF-style: chr17-39911993-C-T.
Other names: c.*3G>A (NM_021991.2, NM_001352773.2, NM_001352774.2 and 4 more transcripts).
Identifiers: ClinVar variation 192284 (VCV000192284.3), dbSNP rs201552065, ClinGen allele CA291695.

ClinVar aggregate classification (germline): Benign. Review status: criteria provided, multiple submitters, no conflicts (2 of 4 stars). 2 submissions from 2 submitters: Benign (2). Last evaluated 2023-07-05.

Allele frequency attached by ClinVar (database versions not stated): ExAC 0.00014; gnomAD exomes 0.00021 and 0.00011; ESP Exome Variant Server 0.00008; gnomAD 0.00011; TOPMed 0.00012.

Submissions (2):

Women's Health and Genetics/Laboratory Corporation of America, LabCorp
Classification: Benign. Last evaluated: 2023-07-05. Review status: criteria provided, single submitter. Criteria: LabCorp Variant Classification Summary - May 2015. Collection method: clinical testing. Allele origin: germline.
Comment: Variant summary: JUP c.*3G>A is located in the untranslated mRNA region downstream of the termination codon. The variant allele was found at a frequency of 0.00021 in 229134 control chromosomes. The observed variant frequency is approximately 34 fold of the estimated maximal expected allele frequency for a pathogenic variant in JUP causing Arrhythmogenic Right Ventricular Dysplasia/Cardiomyopathy phenotype (6.3e-06), strongly suggesting that the variant is benign. To our knowledge, no occurrence of c.*3G>A in individuals affected with Arrhythmogenic Right Ventricular Dysplasia/Cardiomyopathy and no experimental evidence demonstrating its impact on protein function have been reported. One submitter has cited clinical-significance assessments for this variant to ClinVar after 2014 and has classified the variant as benign. Based on the evidence outlined above, the variant was classified as benign.

GeneDx
Classification: Benign. Last evaluated: 2014-02-05. Review status: criteria provided, single submitter. Criteria: GeneDx Variant Classification (06012015). Collection method: clinical testing. Allele origin: germline. Affected: yes.
Comment: This variant is considered likely benign or benign based on one or more of the following criteria: it is a conservative change, it occurs at a poorly conserved position in the protein, it is predicted to be benign by multiple in silico algorithms, and/or has population frequency not consistent with disease.